The following is an entry in ClinVar:

ClinVar aggregate classification (germline): Uncertain significance (1 of 4 stars; one submission).

Submission:

Labcorp Genetics (formerly Invitae), Labcorp
Classification: Uncertain significance. Last evaluated: 2020-09-09. Review status: criteria provided, single submitter. Criteria: Invitae Variant Classification Sherloc (09022015). Collection method: clinical testing. Allele origin: germline.
Comment: Algorithms developed to predict the effect of missense changes on protein structure and function are either unavailable or do not agree on the potential impact of this missense change (SIFT: "Deleterious"; PolyPhen-2: "Probably Damaging"; Align-GVGD: "Class C0"). In summary, the available evidence is currently insufficient to determine the role of this variant in disease. Therefore, it has been classified as a Variant of Uncertain Significance. This sequence change replaces proline with alanine at codon 566 of the PITPNM3 protein (p.Pro566Ala). The proline residue is highly conserved and there is a small physicochemical difference between proline and alanine. This variant is not present in population databases (ExAC no frequency). This variant has not been reported in the literature in individuals with PITPNM3-related conditions.

NM_031220.4(PITPNM3):c.1696C>G (p.Pro566Ala)

Gene: PITPNM3 (PITPNM family member 3; minus strand). Cytogenetic location: 17p13.2.
Variant type: single nucleotide variant.
Coding change: c.1696C>G on transcript NM_031220.4 (MANE Select); coding-DNA position 1696, C replaced by G.
Protein change: p.Pro566Ala; replaces proline 566 with alanine.
Molecular consequence: missense variant.
Genome position (GRCh38, 1-based): chr17:6,470,337, G>C on the plus strand (C>G on the coding strand, the complement: PITPNM3 is on the minus strand). VCF-style: chr17-6470337-G-C. GRCh37 (hg19) VCF-style: chr17-6373657-G-C.
Other names: c.1588C>G, p.Pro530Ala (NM_001165966.2); short protein forms P530A, P566A.
Identifiers: ClinVar variation 1016040 (VCV001016040.8), dbSNP rs1905005133, ClinGen allele CA397404693.